The following is an entry in ClinVar:

NM_000153.4(GALC):c.2042T>G (p.Val681Gly)

Gene: GALC (galactosylceramidase; minus strand). Cytogenetic location: 14q31.3.
Variant type: single nucleotide variant.
Coding change: c.2042T>G on transcript NM_000153.4 (MANE Select); coding-DNA position 2042, T replaced by G.
Protein change: p.Val681Gly; replaces valine 681 with glycine.
Molecular consequence: missense variant. On other transcripts: non-coding transcript variant (1), intron variant (1).
Genome position (GRCh38, 1-based): chr14:87,934,748, A>C on the plus strand (T>G on the coding strand, the complement: GALC is on the minus strand). VCF-style: chr14-87934748-A-C. GRCh37 (hg19) VCF-style: chr14-88401092-A-C.
Other names: c.1973T>G, p.Val658Gly (NM_001201401.2); c.1964T>G, p.Val655Gly (NM_001201402.2); c.1874T>G, p.Val625Gly (NM_001424071.1, NM_001424072.1); c.1694T>G, p.Val565Gly (NM_001424074.1, NM_001424075.1); c.1409T>G, p.Val470Gly (NM_001424076.1, NM_001424077.1); c.1744-749T>G (NM_001424073.1); short protein forms V625G, V681G, V470G, V565G, V655G, V658G.
Identifiers: ClinVar variation 2799243 (VCV002799243.4), dbSNP rs768745262, ClinGen allele CA390745095.
Genomic context (GRCh38, chr14:87,934,748, plus strand): 5'-GAAGGGAAGAAAATCCAGAGTATTCTATGATGCCCTGTTAAGTATTAGCGTGTGGCTTCC[A>C]CAAGAAAGTTGTCAAACTGTGCAAATTCAAAGGAGTGAGTTCCAATTGCAGCCCAGCCAT-3'
Protein context (NP_000144.2, residues 671-685): FEFAQFDNFL[Val681Gly]EATR

ClinVar aggregate classification (germline): Conflicting classifications of pathogenicity. Review status: criteria provided, conflicting classifications (1 of 4 stars). 2 submissions from 2 submitters: Likely pathogenic (1); Uncertain significance (1). Last evaluated 2025-10-30.

Conditions:
Galactosylceramide beta-galactosidase deficiency. Also called: Leukodystrophy, Globoid Cell; GALACTOCEREBROSIDASE DEFICIENCY; GALC DEFICIENCY; GLOBOID CELL LEUKOENCEPHALOPATHY; Krabbe Disease. Identifiers: Orphanet 487, MedGen C0023521, MONDO:0009499, OMIM 245200.

Submissions (2):

Women's Health and Genetics/Laboratory Corporation of America, LabCorp
Classification: Uncertain significance. Last evaluated: 2025-10-30. Review status: criteria provided, single submitter. Criteria: LabCorp Variant Classification Summary - May 2015. Collection method: clinical testing. Allele origin: germline.
Comment: Variant summary: GALC c.2042T>G (p.Val681Gly) results in a non-conservative amino acid change located in the C-terminal lectin domain (IPR049162) of the encoded protein sequence. Algorithms developed to predict the effect of missense changes on protein structure and function all suggest that this variant is likely to be disruptive. The variant was absent in 248930 control chromosomes (gnomAD). The available data on variant occurrences in the general population are insufficient to allow any conclusion about variant significance. To our knowledge, no occurrence of c.2042T>G in individuals affected with GALC-related conditions and no experimental evidence demonstrating its impact on protein function have been reported. A different variant affecting the same codon has been classified as likely pathogenic/pathogenic by our lab (c.2041G>A, p.Val681Met), supporting the critical relevance of codon 681 to GALC protein function. ClinVar contains an entry for this variant (Variation ID: 2799243). Based on the evidence outlined above, the variant was classified as uncertain significance.

Labcorp Genetics (formerly Invitae), Labcorp
Classification: Likely pathogenic for Galactosylceramide beta-galactosidase deficiency. Last evaluated: 2023-10-26. Review status: criteria provided, single submitter. Criteria: Invitae Variant Classification Sherloc (09022015). Collection method: clinical testing. Allele origin: germline.
Comment: This sequence change replaces valine, which is neutral and non-polar, with glycine, which is neutral and non-polar, at codon 681 of the GALC protein (p.Val681Gly). This variant is not present in population databases (gnomAD no frequency). This variant has not been reported in the literature in individuals affected with GALC-related conditions. Advanced modeling of protein sequence and biophysical properties (such as structural, functional, and spatial information, amino acid conservation, physicochemical variation, residue mobility, and thermodynamic stability) performed at Invitae indicates that this missense variant is expected to disrupt GALC protein function with a positive predictive value of 95%. This variant disrupts the p.Val681 amino acid residue in GALC. Other variant(s) that disrupt this residue have been determined to be pathogenic (PMID: 23462331, 31885218). This suggests that this residue is clinically significant, and that variants that disrupt this residue are likely to be disease-causing. In summary, the currently available evidence indicates that the variant is pathogenic, but additional data are needed to prove that conclusively. Therefore, this variant has been classified as Likely Pathogenic.

Literature cited by the submitters: PubMed 23462331 (cited by Labcorp Genetics (formerly Invitae), Labcorp); PubMed 31885218 (cited by Labcorp Genetics (formerly Invitae), Labcorp).